The following is an entry in ClinVar:

NM_021728.4(OTX2):c.745C>T (p.Gln249Ter)

Gene: OTX2 (orthodenticle homeobox 2; minus strand). Cytogenetic location: 14q22.3.
Variant type: single nucleotide variant.
Coding change: c.745C>T on transcript NM_021728.4 (MANE Select); coding-DNA position 745, C replaced by T.
Protein change: p.Gln249Ter; replaces glutamine 249 with a stop codon.
Molecular consequence: nonsense. On other transcripts: non-coding transcript variant (2).
Genome position (GRCh38, 1-based): chr14:56,801,884, G>A on the plus strand (C>T on the coding strand, the complement: OTX2 is on the minus strand). VCF-style: chr14-56801884-G-A. GRCh37 (hg19) VCF-style: chr14-57268602-G-A.
Other names: c.721C>T, p.Gln241Ter (NM_001270523.2, NM_001270524.2, NM_172337.3); c.745C>T, p.Gln249Ter (NM_001270525.2); short protein forms Q241*, Q249*.
Identifiers: ClinVar variation 839619 (VCV000839619.8), dbSNP rs1891892511, ClinGen allele CA390051217.

ClinVar aggregate classification (germline): Uncertain significance (1 of 4 stars; one submission).

Conditions:
Anophthalmia-microphthalmia syndrome. Also called: Anophthalmia/Microphthalmia; Anophthalmia - microphthalmia. Identifiers: Orphanet 98555, MedGen C5680330, MONDO:0020147.

Submission:

Labcorp Genetics (formerly Invitae), Labcorp
Classification: Uncertain significance for Anophthalmia-microphthalmia syndrome. Last evaluated: 2019-11-20. Review status: criteria provided, single submitter. Criteria: Invitae Variant Classification Sherloc (09022015). Collection method: clinical testing. Allele origin: germline.
Comment: This variant has not been reported in the literature in individuals with OTX2-related conditions. This variant is not present in population databases (ExAC no frequency). This sequence change results in a premature translational stop signal in the OTX2 gene (p.Gln241*). While this is not anticipated to result in nonsense mediated decay, it is expected to disrupt the last 49 amino acids of the OTX2 protein. In summary, the available evidence is currently insufficient to determine the role of this variant in disease. Therefore, it has been classified as a Variant of Uncertain Significance. Experimental studies and prediction algorithms are not available or were not evaluated, and the functional significance of this variant is currently unknown.